The following is an entry in ClinVar:

ClinVar aggregate classification (germline): Uncertain significance (1 of 4 stars; one submission).

Submission:

Women's Health and Genetics/Laboratory Corporation of America, LabCorp
Classification: Uncertain significance. Last evaluated: 2020-04-28. Review status: criteria provided, single submitter. Criteria: LabCorp Variant Classification Summary - May 2015. Collection method: clinical testing. Allele origin: germline.
Comment: Variant summary: A2ML1 c.1249-19_1319dup90 involves the duplication of a number of nucleotides spanning part of intron 11 (including a splice-region) and extending into part of exon 12. Several computational tools predict a significant impact on normal splicing: Four predict the variant creates a cryptic 3 acceptor site. However, these predictions have yet to be confirmed by functional studies. The variant was absent in 248418 control chromosomes (gnomAD). To our knowledge, no occurrence of c.1249-19_1319dup90 in individuals affected with Noonan Syndrome And Related Conditions and no experimental evidence demonstrating its impact on protein function have been reported. No clinical diagnostic laboratories have submitted clinical-significance assessments for this variant to ClinVar after 2014. Based on the evidence outlined above, the variant was classified as uncertain significance.

NM_144670.6(A2ML1):c.1249-19_1319dup

Gene: A2ML1 (alpha-2-macroglobulin like 1; plus strand). Cytogenetic location: 12p13.31.
Variant type: Duplication.
Coding change: c.1249-19_1319dup on transcript NM_144670.6 (MANE Select); 19 bases into the intron before coding-DNA position 1249 through coding-DNA position 1319, 90 bases duplicated.
Molecular consequence: splice acceptor variant.
Genome position (GRCh38, 1-based): chr12:8,843,115-8,843,204, 90 bases duplicated. GRCh37 (hg19): chr12:8,995,711-8,995,800.
Identifiers: ClinVar variation 917753 (VCV000917753.1), dbSNP rs1943546023, ClinGen allele CA1139662512.